The following is an entry in ClinVar:

NM_172250.3(MMAA):c.541C>G (p.Pro181Ala)

Gene: MMAA (metabolism of cobalamin associated A; plus strand). Cytogenetic location: 4q31.21.
Variant type: single nucleotide variant.
Coding change: c.541C>G on transcript NM_172250.3 (MANE Select); coding-DNA position 541, C replaced by G.
Protein change: p.Pro181Ala; replaces proline 181 with alanine.
Molecular consequence: missense variant.
Genome position (GRCh38, 1-based): chr4:145,642,464, C>G. VCF-style: chr4-145642464-C-G. GRCh37 (hg19) VCF-style: chr4-146563616-C-G.
Other names: c.541C>G, p.Pro181Ala (NM_001375644.1); short protein forms P181A.
Identifiers: ClinVar variation 2413817 (VCV002413817.5), dbSNP rs1727814576, ClinGen allele CA358355149.

ClinVar aggregate classification (germline): Uncertain significance (1 of 4 stars; one submission).

Conditions:
Methylmalonic aciduria, cblA type (MACA). Also called: Methylmalonic aciduria, vitamin B12-responsive; Vitamin B12-responsive methylmalonic acidemia type cblA; Methylmalonic aciduria, vitamin b12-responsive, due to defect in synthesis of adenosylcobalamin, cbla complementation type; MMA cbl A type; Methylmalonic acidemia cblA type. Identifiers: Orphanet 28, Orphanet 79310, MedGen C1855109, MONDO:0009613, OMIM 251100.

gnomAD v4.1: 2 of 1,614,040 alleles (0.00012%); highest among the groups gnomAD compares: Non-Finnish European, 0.00017%; no homozygotes.

Submission:

Labcorp Genetics (formerly Invitae), Labcorp
Classification: Uncertain significance for Methylmalonic aciduria, cblA type. Last evaluated: 2022-07-22. Review status: criteria provided, single submitter. Criteria: Invitae Variant Classification Sherloc (09022015). Collection method: clinical testing. Allele origin: germline.
Comment: In summary, the available evidence is currently insufficient to determine the role of this variant in disease. Therefore, it has been classified as a Variant of Uncertain Significance. Advanced modeling of protein sequence and biophysical properties (such as structural, functional, and spatial information, amino acid conservation, physicochemical variation, residue mobility, and thermodynamic stability) performed at Invitae indicates that this missense variant is expected to disrupt MMAA protein function. This variant has not been reported in the literature in individuals affected with MMAA-related conditions. This variant is not present in population databases (gnomAD no frequency). This sequence change replaces proline, which is neutral and non-polar, with alanine, which is neutral and non-polar, at codon 181 of the MMAA protein (p.Pro181Ala).